The following is an entry in ClinVar:

NM_016011.5(MECR):c.98C>G (p.Ser33Cys)

Gene: MECR (mitochondrial trans-2-enoyl-CoA reductase; minus strand). Cytogenetic location: 1p35.3.
Variant type: single nucleotide variant.
Coding change: c.98C>G on transcript NM_016011.5 (MANE Select); coding-DNA position 98, C replaced by G.
Protein change: p.Ser33Cys; replaces serine 33 with cysteine.
Molecular consequence: missense variant. On other transcripts: 5 prime UTR variant (6), non-coding transcript variant (4).
Genome position (GRCh38, 1-based): chr1:29,230,809, G>C on the plus strand (C>G on the coding strand, the complement: MECR is on the minus strand). VCF-style: chr1-29230809-G-C. GRCh37 (hg19) VCF-style: chr1-29557321-G-C.
Other names: c.-258C>G (NM_001024732.4); c.-462C>G (NM_001349711.2); c.-463C>G (NM_001349712.2); c.-340C>G (NM_001349713.2); c.-252C>G (NM_001349714.2); c.98C>G, p.Ser33Cys (NM_001349715.2, NM_001349716.2); c.-45C>G (NM_001349717.2); c.98C>G (NM_016011.3, NM_016011.2); short protein forms S33C.
Identifiers: ClinVar variation 1525608 (VCV001525608.5), dbSNP rs758771305, ClinGen allele CA725908.

ClinVar aggregate classification (germline): Uncertain significance. Review status: criteria provided, multiple submitters, no conflicts (2 of 4 stars). 3 submissions from 3 submitters: Uncertain significance (3). Last evaluated 2026-06-18.

Conditions:
MECR-related disorder. Also called: MECR-related condition.
Inborn genetic diseases. Identifiers: MedGen C0950123, MeSH D030342.

Allele frequency attached by ClinVar (database versions not stated): gnomAD exomes 0.00001; TOPMed 0.00003.
gnomAD v4.1: 10 of 1,608,212 alleles (0.00062%); highest among the groups gnomAD compares: Non-Finnish European, 0.00085%; no homozygotes.

Submissions (3):

PreventionGenetics, part of Exact Sciences
Classification: Uncertain significance for MECR-related condition. Last evaluated: 2026-06-18. Review status: criteria provided, single submitter. Criteria: ACMG Guidelines, 2015. Collection method: clinical testing. Allele origin: germline.
Comment: The MECR c.98C>G variant is predicted to result in the amino acid substitution p.Ser33Cys. To our knowledge, this variant has not been reported in the literature. This variant is reported in 0.0017% of alleles in individuals of European (Non-Finnish) descent in gnomAD. At this time, the clinical significance of this variant is uncertain due to the absence of conclusive functional and genetic evidence.

Ambry Genetics
Classification: Uncertain significance for Inborn genetic diseases. Last evaluated: 2024-07-27. Review status: criteria provided, single submitter. Criteria: Ambry Variant Classification Scheme 2023. Collection method: clinical testing. Allele origin: germline.

Labcorp Genetics (formerly Invitae), Labcorp
Classification: Uncertain significance. Last evaluated: 2021-09-15. Review status: criteria provided, single submitter. Criteria: Invitae Variant Classification Sherloc (09022015). Collection method: clinical testing. Allele origin: germline.
Comment: This sequence change replaces serine with cysteine at codon 33 of the MECR protein (p.Ser33Cys). The serine residue is weakly conserved and there is a moderate physicochemical difference between serine and cysteine. This variant is present in population databases (rs758771305, ExAC 0.003%). This variant has not been reported in the literature in individuals affected with MECR-related conditions. Algorithms developed to predict the effect of missense changes on protein structure and function are either unavailable or do not agree on the potential impact of this missense change (SIFT: "Deleterious"; PolyPhen-2: "Possibly Damaging"; Align-GVGD: "Class C0"). In summary, the available evidence is currently insufficient to determine the role of this variant in disease. Therefore, it has been classified as a Variant of Uncertain Significance.